The following is an entry in ClinVar:

ClinVar aggregate classification (germline): Conflicting classifications of pathogenicity. Review status: criteria provided, conflicting classifications (1 of 4 stars). 2 submissions from 2 submitters: Likely pathogenic (1); Uncertain significance (1). Last evaluated 2024-01-31.

Conditions:
Autosomal recessive congenital ichthyosis 1 (LI1). Also called: ICHTHYOSIS, CONGENITAL, AUTOSOMAL RECESSIVE 1, WITH BATHING SUIT DISTRIBUTION; ICHTHYOSIS CONGENITA; ICHTHYOSIS CONGENITA II; LAMELLAR EXFOLIATION OF NEWBORN; COLLODION FETUS; DESQUAMATION OF NEWBORN. Identifiers: MedGen C4551630, MONDO:0009441, OMIM 242300.

Allele frequency attached by ClinVar (database versions not stated): gnomAD exomes below 0.00001.

Submissions (2):

Labcorp Genetics (formerly Invitae), Labcorp
Classification: Likely pathogenic. Last evaluated: 2024-01-31. Review status: criteria provided, single submitter. Criteria: Invitae Variant Classification Sherloc (09022015). Collection method: clinical testing. Allele origin: germline.
Comment: This sequence change replaces tyrosine, which is neutral and polar, with cysteine, which is neutral and slightly polar, at codon 621 of the TGM1 protein (p.Tyr621Cys). This variant is not present in population databases (gnomAD no frequency). This missense change has been observed in individual(s) with congenital ichthyosiform erythroderma (PMID: 30578701). ClinVar contains an entry for this variant (Variation ID: 633795). Advanced modeling of protein sequence and biophysical properties (such as structural, functional, and spatial information, amino acid conservation, physicochemical variation, residue mobility, and thermodynamic stability) performed at Invitae indicates that this missense variant is expected to disrupt TGM1 protein function with a positive predictive value of 95%. In summary, the currently available evidence indicates that the variant is pathogenic, but additional data are needed to prove that conclusively. Therefore, this variant has been classified as Likely Pathogenic.

Uitto Lab, Thomas Jefferson University
Classification: Uncertain significance for Congenita IIs, Ichthyosis. Last evaluated: 2018-06-08. Review status: criteria provided, single submitter. Criteria: ACMG Guidelines, 2015. Collection method: clinical testing. Allele origin: germline. Affected: yes. Study: Rare heritable connective tissue and skin disorders in Iranian cohort.

Literature cited by the submitters: PubMed 30578701 (cited by Labcorp Genetics (formerly Invitae), Labcorp).

NM_000359.3(TGM1):c.1862A>G (p.Tyr621Cys)

Gene: TGM1 (transglutaminase 1; minus strand). Cytogenetic location: 14q12.
Variant type: single nucleotide variant.
Coding change: c.1862A>G on transcript NM_000359.3 (MANE Select); coding-DNA position 1862, A replaced by G.
Protein change: p.Tyr621Cys; replaces tyrosine 621 with cysteine.
Molecular consequence: missense variant.
Genome position (GRCh38, 1-based): chr14:24,255,037, T>C on the plus strand (A>G on the coding strand, the complement: TGM1 is on the minus strand). VCF-style: chr14-24255037-T-C. GRCh37 (hg19) VCF-style: chr14-24724243-T-C.
Other names: short protein forms Y621C.
Identifiers: ClinVar variation 633795 (VCV000633795.4), dbSNP rs1566376648, ClinGen allele CA389249512.
Genomic context (GRCh38, chr14:24,255,037, plus strand): 5'-CCTGGTGCCAGCTCCACTTCCTTCTTGGTCTCCTTGAAGATGGTACCACTGACACCAGTA[T>C]AGAAAGTGACTGAGAGGTAGAGGTGCAGTTTCACTGTGCGGCGGCTGCTGCTGTGATTGA-3'
Protein context (NP_000350.1, residues 611-631): KLHLYLSVTF[Tyr621Cys]TGVSGTIFKE